The following is an entry in ClinVar:

NM_001330260.2(SCN8A):c.3303C>T (p.Gly1101=)

Gene: SCN8A (sodium voltage-gated channel alpha subunit 8; plus strand). Cytogenetic location: 12q13.13.
Variant type: single nucleotide variant.
Coding change: c.3303C>T on transcript NM_001330260.2 (MANE Select); coding-DNA position 3303, C replaced by T.
Protein change: p.Gly1101=; no amino-acid change (glycine 1101 retained).
Molecular consequence: synonymous variant.
Genome position (GRCh38, 1-based): chr12:51,769,266, C>T. VCF-style: chr12-51769266-C-T. GRCh37 (hg19) VCF-style: chr12-52163050-C-T.
Other names: c.3303C>T, p.Gly1101= (NM_001177984.3, NM_001369788.1, NM_014191.4); c.3303C>T (NM_014191.2).
Identifiers: ClinVar variation 844379 (VCV000844379.13), dbSNP rs1942886702, ClinGen allele CA480061413.

ClinVar aggregate classification (germline): Uncertain significance. Review status: criteria provided, multiple submitters, no conflicts (2 of 4 stars). 3 submissions from 3 submitters: Uncertain significance (3). Last evaluated 2026-05-06.

Conditions:
Early-infantile DEE. Also called: Ohtahara syndrome; Early infantile epileptic encephalopathy with suppression bursts; Early infantile epileptic encephalopathy. Identifiers: Orphanet 1934, MedGen C0393706, MONDO:0800491.
Inborn genetic diseases. Identifiers: MedGen C0950123, MeSH D030342.

Submissions (3):

GeneDx
Classification: Uncertain significance. Last evaluated: 2026-05-06. Review status: criteria provided, single submitter. Criteria: GeneDx Variant Classification Process June 2021. Collection method: clinical testing. Allele origin: germline.
Comment: Not observed at significant frequency in large population cohorts (gnomAD); In silico analysis supports a deleterious effect on splicing; Has not been previously published as pathogenic or benign to our knowledge

Ambry Genetics
Classification: Uncertain significance for Inborn genetic diseases. Last evaluated: 2025-05-07. Review status: criteria provided, single submitter. Criteria: Ambry Variant Classification Scheme 2023. Collection method: clinical testing. Allele origin: germline.
Comment: The c.3303C>T (p.G1101G) alteration is located in exon 17 (coding exon 16) of the SCN8A gene. This alteration consists of a C to T substitution at nucleotide position 3303. This nucleotide substitution does not change the amino acid at codon 1101. This variant was not reported in population-based cohorts in the Genome Aggregation Database (gnomAD). This nucleotide position is not well conserved in available vertebrate species. In silico splice site analysis predicts that this alteration will result in the creation or strengthening of a novel splice donor site. Based on insufficient or conflicting evidence, the clinical significance of this alteration remains unclear.

Labcorp Genetics (formerly Invitae), Labcorp
Classification: Uncertain significance for Early-infantile DEE. Last evaluated: 2022-04-28. Review status: criteria provided, single submitter. Criteria: Invitae Variant Classification Sherloc (09022015). Collection method: clinical testing. Allele origin: germline.
Comment: In summary, the available evidence is currently insufficient to determine the role of this variant in disease. Therefore, it has been classified as a Variant of Uncertain Significance. Algorithms developed to predict the effect of sequence changes on RNA splicing suggest that this variant may disrupt the consensus splice site. ClinVar contains an entry for this variant (Variation ID: 844379). This variant has not been reported in the literature in individuals affected with SCN8A-related conditions. This variant is not present in population databases (gnomAD no frequency). This sequence change affects codon 1101 of the SCN8A mRNA. It is a 'silent' change, meaning that it does not change the encoded amino acid sequence of the SCN8A protein.